The following is an entry in ClinVar:

ClinVar aggregate classification (germline): Benign/Likely benign. Review status: criteria provided, multiple submitters, no conflicts (2 of 4 stars). 4 submissions from 4 submitters: Benign (1); Likely benign (3). Last evaluated 2025-08-17.

Conditions:
Hereditary cancer-predisposing syndrome. Also called: Hereditary Cancer Syndrome; Hereditary neoplastic syndrome; Neoplastic Syndromes, Hereditary; Tumor predisposition. Identifiers: Orphanet 140162, MedGen C0027672, MeSH D009386, MONDO:0015356.
Lung cancer. Also called: Malignant tumor of lung; Lung cancer, somatic. Identifiers: MedGen C0242379, MONDO:0008903, OMIM 211980.
EGFR-related lung cancer (EGFR). Identifiers: MedGen CN130014.

Allele frequency attached by ClinVar (database versions not stated): gnomAD 0.00001; TOPMed 0.00001.

Submissions (4):

Labcorp Genetics (formerly Invitae), Labcorp
Classification: Likely benign for EGFR-related lung cancer. Last evaluated: 2025-08-17. Review status: criteria provided, single submitter. Criteria: Invitae Variant Classification Sherloc (09022015). Collection method: clinical testing. Allele origin: germline.

Ambry Genetics
Classification: Likely benign for Hereditary cancer-predisposing syndrome. Last evaluated: 2024-11-20. Review status: criteria provided, single submitter. Criteria: Ambry Variant Classification Scheme 2023. Collection method: clinical testing. Allele origin: germline.

Myriad Genetics, Inc.
Classification: Benign for Lung cancer. Last evaluated: 2024-10-16. Review status: criteria provided, single submitter. Criteria: Myriad Autosomal Dominant, Autosomal Recessive and X-Linked Classification Criteria (2023). Collection method: clinical testing. Allele origin: unknown.
Comment: This variant is considered benign. This variant is a silent/synonymous amino acid change and it is not expected to impact splicing.

Laboratory for Molecular Medicine, Mass General Brigham Personalized Medicine
Classification: Likely benign. Last evaluated: 2010-06-16. Review status: criteria provided, single submitter. Criteria: LMM Criteria. Collection method: clinical testing. Allele origin: somatic. Observed: 1 variant allele.

NM_005228.5(EGFR):c.2329C>T (p.Leu777=)

Genes: EGFR-AS1 (EGFR antisense RNA 1; minus strand), EGFR (epidermal growth factor receptor; plus strand). Cytogenetic location: 7p11.2.
Variant type: single nucleotide variant.
Coding change: c.2329C>T on transcript NM_005228.5 (MANE Select); coding-DNA position 2329, C replaced by T.
Protein change: p.Leu777=; no amino-acid change (leucine 777 retained).
Molecular consequence: synonymous variant. On other transcripts: non-coding transcript variant (1).
Genome position (GRCh38, 1-based): chr7:55,181,338, C>T. VCF-style: chr7-55181338-C-T. GRCh37 (hg19) VCF-style: chr7-55249031-C-T.
Other names: c.2194C>T, p.Leu732= (NM_001346897.2, NM_001346899.2); c.2329C>T, p.Leu777= (NM_001346898.2); c.2170C>T, p.Leu724= (NM_001346900.2); c.1528C>T, p.Leu510= (NM_001346941.2).
Identifiers: ClinVar variation 45264 (VCV000045264.8), dbSNP rs397517117, ClinGen allele CA135875.